The following is an entry in ClinVar:

NM_170606.3(KMT2C):c.1940T>G (p.Met647Arg)

Gene: KMT2C (lysine methyltransferase 2C; minus strand). Cytogenetic location: 7q36.1.
Variant type: single nucleotide variant.
Coding change: c.1940T>G on transcript NM_170606.3 (MANE Select); coding-DNA position 1940, T replaced by G.
Protein change: p.Met647Arg; replaces methionine 647 with arginine.
Molecular consequence: missense variant.
Genome position (GRCh38, 1-based): chr7:152,248,494, A>C on the plus strand (T>G on the coding strand, the complement: KMT2C is on the minus strand). VCF-style: chr7-152248494-A-C. GRCh37 (hg19) VCF-style: chr7-151945579-A-C.
Other names: short protein forms M647R.
Identifiers: ClinVar variation 5009939 (VCV005009939.1).

ClinVar aggregate classification (germline): Uncertain significance (1 of 4 stars; one submission).

Submission:

GeneDx
Classification: Uncertain significance. Last evaluated: 2026-02-24. Review status: criteria provided, single submitter. Criteria: GeneDx Variant Classification Process June 2021. Collection method: clinical testing. Allele origin: germline.
Comment: Not observed at significant frequency in large population cohorts (gnomAD); In silico analysis suggests that this missense variant does not alter protein structure/function; Has not been previously published as pathogenic or benign to our knowledge